The following is an entry in ClinVar:

ClinVar aggregate classification (germline): Uncertain significance (1 of 4 stars; one submission).

Submission:

Labcorp Genetics (formerly Invitae), Labcorp
Classification: Uncertain significance. Last evaluated: 2021-09-07. Review status: criteria provided, single submitter. Criteria: Invitae Variant Classification Sherloc (09022015). Collection method: clinical testing. Allele origin: germline.
Comment: In summary, the available evidence is currently insufficient to determine the role of this variant in disease. Therefore, it has been classified as a Variant of Uncertain Significance. Advanced modeling of protein sequence and biophysical properties (such as structural, functional, and spatial information, amino acid conservation, physicochemical variation, residue mobility, and thermodynamic stability) performed at Invitae indicates that this missense variant is not expected to disrupt FH protein function. This variant has not been reported in the literature in individuals affected with FH-related conditions. This variant is not present in population databases (ExAC no frequency). This sequence change replaces lysine with arginine at codon 414 of the FH protein (p.Lys414Arg). The lysine residue is moderately conserved and there is a small physicochemical difference between lysine and arginine.

NM_000143.4(FH):c.1241A>G (p.Lys414Arg)

Gene: FH (fumarate hydratase; minus strand). Cytogenetic location: 1q43.
Variant type: single nucleotide variant.
Coding change: c.1241A>G on transcript NM_000143.4 (MANE Select); coding-DNA position 1241, A replaced by G.
Protein change: p.Lys414Arg; replaces lysine 414 with arginine.
Molecular consequence: missense variant.
Genome position (GRCh38, 1-based): chr1:241,500,586, T>C on the plus strand (A>G on the coding strand, the complement: FH is on the minus strand). VCF-style: chr1-241500586-T-C. GRCh37 (hg19) VCF-style: chr1-241663886-T-C.
Other names: short protein forms K414R.
Identifiers: ClinVar variation 1380040 (VCV001380040.6), dbSNP rs2147913385, ClinGen allele CA345436944.
Genomic context (GRCh38, chr1:241,500,586, plus strand): 5'-CAGTTTTCTGTAAAGGAAACTGAAGCATCCCCCAGCAGCCTGGCTGAGTGTAACACATTT[T>C]TAATCTTTGAGTGAGTGAGAGAGAGAGAGAGAGAGAGAGAGAGAGAGAGAGAGACATTAC-3'
Protein context (NP_000134.2, residues 404-424): ELNVFKPMMI[Lys414Arg]NVLHSARLLG